The following is an entry in ClinVar:

ClinVar aggregate classification (germline): Uncertain significance. Review status: criteria provided, multiple submitters, no conflicts (2 of 4 stars). 2 submissions from 2 submitters: Uncertain significance (2). Last evaluated 2025-12-29.

Conditions:
Bloom syndrome (BLM). Also called: Bloom-Torre-Machacek syndrome. Identifiers: Orphanet 125, MedGen C0005859, MONDO:0008876, OMIM 210900.
Hereditary cancer-predisposing syndrome. Also called: Hereditary neoplastic syndrome; Tumor predisposition; Neoplastic Syndromes, Hereditary; Hereditary Cancer Syndrome. Identifiers: Orphanet 140162, MedGen C0027672, MeSH D009386, MONDO:0015356.

Allele frequency attached by ClinVar (database versions not stated): gnomAD exomes below 0.00001 and 0.00001; TOPMed below 0.00001.
gnomAD v4.1: 1 of 1,535,228 alleles (0.000065%); highest among the groups gnomAD compares: African/African-American, 0.0014%; no homozygotes.

Submissions (2):

Ambry Genetics
Classification: Uncertain significance for Hereditary cancer-predisposing syndrome. Last evaluated: 2025-12-29. Review status: criteria provided, single submitter. Criteria: Ambry Variant Classification Scheme 2023. Collection method: clinical testing. Allele origin: germline.
Comment: The p.I617L variant (also known as c.1849A>T), located in coding exon 6 of the BLM gene, results from an A to T substitution at nucleotide position 1849. The isoleucine at codon 617 is replaced by leucine, an amino acid with highly similar properties. This amino acid position is conserved. In addition, this alteration is predicted to be tolerated by in silico analysis. Based on the available evidence, the clinical significance of this variant remains unclear.

Labcorp Genetics (formerly Invitae), Labcorp
Classification: Uncertain significance for Bloom syndrome. Last evaluated: 2024-06-25. Review status: criteria provided, single submitter. Criteria: Invitae Variant Classification Sherloc (09022015). Collection method: clinical testing. Allele origin: germline.
Comment: This sequence change replaces isoleucine, which is neutral and non-polar, with leucine, which is neutral and non-polar, at codon 617 of the BLM protein (p.Ile617Leu). The frequency data for this variant in the population databases is considered unreliable, as metrics indicate poor data quality at this position in the gnomAD database. This variant has not been reported in the literature in individuals affected with BLM-related conditions. ClinVar contains an entry for this variant (Variation ID: 1355875). An algorithm developed to predict the effect of missense changes on protein structure and function (PolyPhen-2) suggests that this variant is likely to be tolerated. In summary, the available evidence is currently insufficient to determine the role of this variant in disease. Therefore, it has been classified as a Variant of Uncertain Significance.

NM_000057.4(BLM):c.1849A>T (p.Ile617Leu)

Gene: BLM (BLM RecQ like helicase; plus strand). Cytogenetic location: 15q26.1.
Variant type: single nucleotide variant.
Coding change: c.1849A>T on transcript NM_000057.4 (MANE Select); coding-DNA position 1849, A replaced by T.
Protein change: p.Ile617Leu; replaces isoleucine 617 with leucine.
Molecular consequence: missense variant.
Genome position (GRCh38, 1-based): chr15:90,761,222, A>T. VCF-style: chr15-90761222-A-T. GRCh37 (hg19) VCF-style: chr15-91304452-A-T.
Other names: c.1849A>T (NM_000057.2); c.1849A>T, p.Ile617Leu (NM_001287246.2, NM_001287247.2); c.724A>T, p.Ile242Leu (NM_001287248.2); short protein forms I242L, I617L.
Identifiers: ClinVar variation 1355875 (VCV001355875.10), dbSNP rs1219301379, ClinGen allele CA393843975.